The following is an entry in ClinVar:

ClinVar aggregate classification (germline): Uncertain significance (1 of 4 stars; one submission).

Submission:

Labcorp Genetics (formerly Invitae), Labcorp
Classification: Uncertain significance. Last evaluated: 2023-05-05. Review status: criteria provided, single submitter. Criteria: Invitae Variant Classification Sherloc (09022015). Collection method: clinical testing. Allele origin: germline.
Comment: This variant has not been reported in the literature in individuals affected with SH3KBP1-related conditions. In summary, the available evidence is currently insufficient to determine the role of this variant in disease. Therefore, it has been classified as a Variant of Uncertain Significance. Advanced modeling of protein sequence and biophysical properties (such as structural, functional, and spatial information, amino acid conservation, physicochemical variation, residue mobility, and thermodynamic stability) performed at Invitae indicates that this missense variant is not expected to disrupt SH3KBP1 protein function. This variant is not present in population databases (gnomAD no frequency). This sequence change replaces isoleucine, which is neutral and non-polar, with leucine, which is neutral and non-polar, at codon 658 of the SH3KBP1 protein (p.Ile658Leu).

NM_031892.3(SH3KBP1):c.1972A>C (p.Ile658Leu)

Gene: SH3KBP1 (SH3 domain containing kinase binding protein 1; minus strand). Cytogenetic location: Xp22.12.
Variant type: single nucleotide variant.
Coding change: c.1972A>C on transcript NM_031892.3 (MANE Select); coding-DNA position 1972, A replaced by C.
Protein change: p.Ile658Leu; replaces isoleucine 658 with leucine.
Molecular consequence: missense variant.
Genome position (GRCh38, 1-based): chrX:19,536,443, T>G on the plus strand (A>C on the coding strand, the complement: SH3KBP1 is on the minus strand). VCF-style: chrX-19536443-T-G. GRCh37 (hg19) VCF-style: chrX-19554561-T-G.
Other names: c.1861A>C, p.Ile621Leu (NM_001024666.3); c.1258A>C, p.Ile420Leu (NM_001184960.2); c.1843A>C, p.Ile615Leu (NM_001353890.2); c.2047A>C, p.Ile683Leu (NM_001353891.2); c.1918A>C, p.Ile640Leu (NM_001353892.2); c.1870A>C, p.Ile624Leu (NM_001353893.2); c.1741A>C, p.Ile581Leu (NM_001353894.2); c.1798A>C, p.Ile600Leu (NM_001353895.2); and 4 more; short protein forms I581L, I615L, I621L, I624L, I640L, I683L, I377L, I420L.
Identifiers: ClinVar variation 2862098 (VCV002862098.3), dbSNP rs2518761455, ClinGen allele CA412495100.